The following is an entry in ClinVar:

NM_015164.4(PLEKHM2):c.502G>A (p.Asp168Asn)

Gene: PLEKHM2 (pleckstrin homology and RUN domain containing M2; plus strand). Cytogenetic location: 1p36.21.
Variant type: single nucleotide variant.
Coding change: c.502G>A on transcript NM_015164.4 (MANE Select); coding-DNA position 502, G replaced by A.
Protein change: p.Asp168Asn; replaces aspartic acid 168 with asparagine.
Molecular consequence: missense variant.
Genome position (GRCh38, 1-based): chr1:15,719,770, G>A. VCF-style: chr1-15719770-G-A. GRCh37 (hg19) VCF-style: chr1-16046265-G-A.
Other names: c.502G>A (NM_015164.2); short protein forms D168N.
Identifiers: ClinVar variation 1520540 (VCV001520540.7), dbSNP rs764949831, ClinGen allele CA616708.
Genomic context (GRCh38, chr1:15,719,770, plus strand): 5'-GGGCCTCCTCTACTCTCTCCTCAGGATGCCCCTTACCTAGACCTGGCCCCCTACATGCCC[G>A]ACTACTACAAACCTCAGTACCTGCTGGACTTTGAAGACCGCCTTCCCAGCTCGGTCCACG-3'
Protein context (NP_055979.2, residues 158-178): PYLDLAPYMP[Asp168Asn]YYKPQYLLDF

ClinVar aggregate classification (germline): Uncertain significance. Review status: criteria provided, multiple submitters, no conflicts (2 of 4 stars). 3 submissions from 3 submitters: Uncertain significance (3). Last evaluated 2024-05-18.

Conditions:
Dilated Cardiomyopathy, Recessive.

Allele frequency attached by ClinVar (database versions not stated): gnomAD exomes 0.00001 and 0.00003; ExAC 0.00002; gnomAD 0.00004; TOPMed 0.00005.
gnomAD v4.1: 47 of 1,613,010 alleles (0.0029%); highest among the groups gnomAD compares: East Asian, 0.0045%; 1 homozygote.

Submissions (3):

Labcorp Genetics (formerly Invitae), Labcorp
Classification: Uncertain significance. Last evaluated: 2024-05-18. Review status: criteria provided, single submitter. Criteria: Invitae Variant Classification Sherloc (09022015). Collection method: clinical testing. Allele origin: germline.
Comment: This sequence change replaces aspartic acid, which is acidic and polar, with asparagine, which is neutral and polar, at codon 168 of the PLEKHM2 protein (p.Asp168Asn). This variant is present in population databases (rs764949831, gnomAD 0.003%). This variant has not been reported in the literature in individuals affected with PLEKHM2-related conditions. ClinVar contains an entry for this variant (Variation ID: 1520540). An algorithm developed to predict the effect of missense changes on protein structure and function (PolyPhen-2) suggests that this variant is likely to be disruptive. In summary, the available evidence is currently insufficient to determine the role of this variant in disease. Therefore, it has been classified as a Variant of Uncertain Significance.

Ambry Genetics
Classification: Uncertain significance. Last evaluated: 2023-02-15. Review status: criteria provided, single submitter. Criteria: Ambry Variant Classification Scheme 2023. Collection method: clinical testing. Allele origin: germline.

Blueprint Genetics
Classification: Uncertain significance. Last evaluated: 2021-09-03. Review status: criteria provided, single submitter. Criteria: ACMG Guidelines, 2015. Collection method: clinical testing. Allele origin: germline.